The following is an entry in ClinVar:

ClinVar aggregate classification (germline): Uncertain significance (1 of 4 stars; one submission).

Conditions:
Lipoic acid synthetase deficiency. Also called: HYPERGLYCINEMIA, LACTIC ACIDOSIS, AND SEIZURES. Identifiers: Orphanet 401859, MedGen C3280887, MONDO:0013762, OMIM 614462.

Allele frequency attached by ClinVar (database versions not stated): gnomAD 0.00001; gnomAD exomes below 0.00001; TOPMed below 0.00001.
gnomAD v4.1: 3 of 1,613,928 alleles (0.00019%); highest among the groups gnomAD compares: Non-Finnish European, 0.00025%; no homozygotes.

Submission:

Labcorp Genetics (formerly Invitae), Labcorp
Classification: Uncertain significance for Lipoic acid synthetase deficiency. Last evaluated: 2019-09-04. Review status: criteria provided, single submitter. Criteria: Invitae Variant Classification Sherloc (09022015). Collection method: clinical testing. Allele origin: germline.
Comment: In summary, the available evidence is currently insufficient to determine the role of this variant in disease. Therefore, it has been classified as a Variant of Uncertain Significance. Algorithms developed to predict the effect of missense changes on protein structure and function are either unavailable or do not agree on the potential impact of this missense change (SIFT: "Deleterious"; PolyPhen-2: "Benign"; Align-GVGD: "Class C0"). This variant has not been reported in the literature in individuals with LIAS-related conditions. This variant is not present in population databases (ExAC no frequency). This sequence change replaces cysteine with serine at codon 5 of the LIAS protein (p.Cys5Ser). The cysteine residue is moderately conserved and there is a moderate physicochemical difference between cysteine and serine.

NM_006859.4(LIAS):c.14G>C (p.Cys5Ser)

Genes: LIAS (lipoic acid synthetase; plus strand), LOC112939935 (Sharpr-MPRA regulatory region 11886; plus strand). Cytogenetic location: 4p14.
Variant type: single nucleotide variant.
Coding change: c.14G>C on transcript NM_006859.4 (MANE Select); coding-DNA position 14, G replaced by C.
Protein change: p.Cys5Ser; replaces cysteine 5 with serine.
Molecular consequence: missense variant.
Genome position (GRCh38, 1-based): chr4:39,459,131, G>C. VCF-style: chr4-39459131-G-C. GRCh37 (hg19) VCF-style: chr4-39460751-G-C.
Other names: c.14G>C, p.Cys5Ser (NM_001278590.2, NM_001278591.2, NM_001278592.2 and 2 more transcripts); short protein forms C5S.
Identifiers: ClinVar variation 933263 (VCV000933263.9), dbSNP rs1250162017, ClinGen allele CA356663478.